The following is an entry in ClinVar:

ClinVar aggregate classification (germline): Uncertain significance (1 of 4 stars; one submission).

Conditions:
Glycogen storage disease, type V (GSD5). Also called: MCARDLE DISEASE; MUSCLE GLYCOGEN PHOSPHORYLASE DEFICIENCY; MYOPHOSPHORYLASE DEFICIENCY; PYGM DEFICIENCY; McArdle type glycogen storage disease. Identifiers: Orphanet 368, MedGen C0017924, MONDO:0009293, OMIM 232600.

Allele frequency attached by ClinVar (database versions not stated): TOPMed below 0.00001.

Submission:

Labcorp Genetics (formerly Invitae), Labcorp
Classification: Uncertain significance for Glycogen storage disease, type V. Last evaluated: 2024-02-24. Review status: criteria provided, single submitter. Criteria: Invitae Variant Classification Sherloc (09022015). Collection method: clinical testing. Allele origin: germline.
Comment: This sequence change replaces glutamic acid, which is acidic and polar, with lysine, which is basic and polar, at codon 553 of the PYGM protein (p.Glu553Lys). This variant is present in population databases (no rsID available, gnomAD 0.003%). This variant has not been reported in the literature in individuals affected with PYGM-related conditions. ClinVar contains an entry for this variant (Variation ID: 2141424). Advanced modeling of protein sequence and biophysical properties (such as structural, functional, and spatial information, amino acid conservation, physicochemical variation, residue mobility, and thermodynamic stability) performed at Invitae indicates that this missense variant is not expected to disrupt PYGM protein function with a negative predictive value of 95%. In summary, the available evidence is currently insufficient to determine the role of this variant in disease. Therefore, it has been classified as a Variant of Uncertain Significance.

NM_005609.4(PYGM):c.1657G>A (p.Glu553Lys)

Gene: PYGM (glycogen phosphorylase, muscle associated; minus strand). Cytogenetic location: 11q13.1.
Variant type: single nucleotide variant.
Coding change: c.1657G>A on transcript NM_005609.4 (MANE Select); coding-DNA position 1657, G replaced by A.
Protein change: p.Glu553Lys; replaces glutamic acid 553 with lysine.
Molecular consequence: missense variant.
Genome position (GRCh38, 1-based): chr11:64,752,035, C>T on the plus strand (G>A on the coding strand, the complement: PYGM is on the minus strand). VCF-style: chr11-64752035-C-T. GRCh37 (hg19) VCF-style: chr11-64519507-C-T.
Other names: c.1393G>A, p.Glu465Lys (NM_001164716.1); short protein forms E465K, E553K.
Identifiers: ClinVar variation 2141424 (VCV002141424.3), dbSNP rs1311913891, ClinGen allele CA381171095.